The following is an entry in ClinVar:

NM_002691.4(POLD1):c.2929G>A (p.Gly977Ser)

Gene: POLD1 (DNA polymerase delta 1, catalytic subunit; plus strand). Cytogenetic location: 19q13.33.
Variant type: single nucleotide variant.
Coding change: c.2929G>A on transcript NM_002691.4 (MANE Select); coding-DNA position 2929, G replaced by A.
Protein change: p.Gly977Ser; replaces glycine 977 with serine.
Molecular consequence: missense variant. On other transcripts: non-coding transcript variant (1).
Genome position (GRCh38, 1-based): chr19:50,416,504, G>A. VCF-style: chr19-50416504-G-A. GRCh37 (hg19) VCF-style: chr19-50919761-G-A.
Other names: c.2929G>A, p.Gly977Ser (NM_001256849.1); c.3007G>A, p.Gly1003Ser (NM_001308632.1); c.2929G>A (NM_002691.2); short protein forms G1003S, G977S.
Identifiers: ClinVar variation 421136 (VCV000421136.13), dbSNP rs1064794933, ClinGen allele CA16620900.

ClinVar aggregate classification (germline): Uncertain significance. Review status: criteria provided, multiple submitters, no conflicts (2 of 4 stars). 3 submissions from 3 submitters: Uncertain significance (3). Last evaluated 2025-10-06.

Conditions:
POLD1-related polyposis and colorectal cancer syndrome (CRCS10). Also called: Colorectal cancer 10; COLORECTAL CANCER, SUSCEPTIBILITY TO, ON CHROMOSOME 19q; Colorectal cancer, susceptibility to, 10. Identifiers: Orphanet 220460, MedGen C2675481, MONDO:0012953, OMIM 612591.
Hereditary cancer-predisposing syndrome. Also called: Neoplastic Syndromes, Hereditary; Hereditary neoplastic syndrome; Tumor predisposition; Hereditary Cancer Syndrome. Identifiers: Orphanet 140162, MedGen C0027672, MeSH D009386, MONDO:0015356.

Allele frequency attached by ClinVar (database versions not stated): gnomAD exomes below 0.00001.
gnomAD v4.1: 1 of 1,552,514 alleles (0.000064%); highest among the groups gnomAD compares: Non-Finnish European, 0.000087%; no homozygotes.

Submissions (3):

Ambry Genetics
Classification: Uncertain significance for Hereditary cancer-predisposing syndrome. Last evaluated: 2025-10-06. Review status: criteria provided, single submitter. Criteria: Ambry Variant Classification Scheme 2023. Collection method: clinical testing. Allele origin: germline.
Comment: The p.G977S variant (also known as c.2929G>A), located in coding exon 22 of the POLD1 gene, results from a G to A substitution at nucleotide position 2929. The glycine at codon 977 is replaced by serine, an amino acid with similar properties. This amino acid position is conserved. In addition, this alteration is predicted to be tolerated by in silico analysis. Since supporting evidence is limited at this time, the clinical significance of this alteration remains unclear.

Labcorp Genetics (formerly Invitae), Labcorp
Classification: Uncertain significance for POLD1-related polyposis and colorectal cancer syndrome. Last evaluated: 2025-07-14. Review status: criteria provided, single submitter. Criteria: Invitae Variant Classification Sherloc (09022015). Collection method: clinical testing. Allele origin: germline.
Comment: This sequence change replaces glycine, which is neutral and non-polar, with serine, which is neutral and polar, at codon 977 of the POLD1 protein (p.Gly977Ser). This variant is not present in population databases (gnomAD no frequency). This variant has not been reported in the literature in individuals affected with POLD1-related conditions. ClinVar contains an entry for this variant (Variation ID: 421136). Invitae Evidence Modeling of protein sequence and biophysical properties (such as structural, functional, and spatial information, amino acid conservation, physicochemical variation, residue mobility, and thermodynamic stability) indicates that this missense variant is not expected to disrupt POLD1 protein function with a negative predictive value of 80%. In summary, the available evidence is currently insufficient to determine the role of this variant in disease. Therefore, it has been classified as a Variant of Uncertain Significance.

GeneDx
Classification: Uncertain significance. Last evaluated: 2016-05-10. Review status: criteria provided, single submitter. Criteria: GeneDx Variant Classification (06012015). Collection method: clinical testing. Allele origin: germline. Affected: yes.
Comment: This variant is denoted POLD1 c.2929G>A at the cDNA level, p.Gly977Ser (G977S) at the protein level, and results in the change of a Glycine to a Serine (GGC>AGC). This variant has not, to our knowledge, been published in the literature as pathogenic or benign. POLD1 Gly977Ser was not observed in approximately 6,500 individuals of European and African American ancestry in the NHLBI Exome Sequencing Project, suggesting it is not a common benign variant in these populations. Since Glycine and Serine differ in polarity, charge, size or other properties, this is considered a non-conservative amino acid substitution. POLD1 Gly977Ser occurs at a position that is conserved in mammals and is not located in a known functional domain. In silico analyses predict that this variant is unlikely to alter protein structure or function. Based on currently available evidence, it is unclear whether POLD1 Gly977Ser is a pathogenic or benign variant. We consider it to be a variant of uncertain significance.